The following is an entry in ClinVar:

NM_032806.6(POMGNT2):c.1271G>A (p.Arg424His)

Gene: POMGNT2 (protein O-linked mannose N-acetylglucosaminyltransferase 2 (beta 1,4-); minus strand). Cytogenetic location: 3p22.1.
Variant type: single nucleotide variant.
Coding change: c.1271G>A on transcript NM_032806.6 (MANE Select); coding-DNA position 1271, G replaced by A.
Protein change: p.Arg424His; replaces arginine 424 with histidine.
Molecular consequence: missense variant.
Genome position (GRCh38, 1-based): chr3:43,080,161, C>T on the plus strand (G>A on the coding strand, the complement: POMGNT2 is on the minus strand). VCF-style: chr3-43080161-C-T. GRCh37 (hg19) VCF-style: chr3-43121653-C-T.
Other names: c.1271G>A (NM_032806.4); short protein forms R424H.
Identifiers: ClinVar variation 1514556 (VCV001514556.7), dbSNP rs775667995, ClinGen allele CA2339888.
Genomic context (GRCh38, chr3:43,080,161, plus strand): 5'-AAGAGCCACTCGGGGTTCCGGCAACAGAGATGCCGTGGGACCTCACGGCTTTGCAGGATA[C>T]GGGCTTGCTCAGCCCGGTCCAGATGGGTGATGCCCCCCTGATCCCAGGGCCGCTCAGGGT-3'
Protein context (NP_116195.2, residues 414-434): ITHLDRAEQA[Arg424His]ILQSREVPRH

ClinVar aggregate classification (germline): Uncertain significance. Review status: criteria provided, multiple submitters, no conflicts (2 of 4 stars). 3 submissions from 3 submitters: Uncertain significance (3). Last evaluated 2024-11-04.

Conditions:
Muscular dystrophy-dystroglycanopathy (congenital with brain and eye anomalies), type a, 8 (MDDGA8). Also called: WALKER-WARBURG SYNDROME OR MUSCLE-EYE-BRAIN DISEASE, GTDC2-RELATED. Identifiers: Orphanet 899, MedGen C3553813, MONDO:0013904, OMIM 614830.
Inborn genetic diseases. Identifiers: MedGen C0950123, MeSH D030342.

Allele frequency attached by ClinVar (database versions not stated): TOPMed 0.00005; gnomAD 0.00005; ExAC 0.00002; gnomAD exomes 0.00003.
gnomAD v4.1: 63 of 1,613,770 alleles (0.0039%); highest among the groups gnomAD compares: Admixed American, 0.0067%; no homozygotes.

Submissions (3):

Revvity Omics, Revvity
Classification: Uncertain significance. Last evaluated: 2024-11-04. Review status: criteria provided, single submitter. Criteria: ACMG Guidelines, 2015. Collection method: clinical testing. Allele origin: germline.

Ambry Genetics
Classification: Uncertain significance for Inborn genetic diseases. Last evaluated: 2024-08-28. Review status: criteria provided, single submitter. Criteria: Ambry Variant Classification Scheme 2023. Collection method: clinical testing. Allele origin: germline.

Labcorp Genetics (formerly Invitae), Labcorp
Classification: Uncertain significance for Muscular dystrophy-dystroglycanopathy (congenital with brain and eye anomalies), type a, 8. Last evaluated: 2021-08-27. Review status: criteria provided, single submitter. Criteria: Invitae Variant Classification Sherloc (09022015). Collection method: clinical testing. Allele origin: germline.
Comment: This sequence change replaces arginine with histidine at codon 424 of the POMGNT2 protein (p.Arg424His). The arginine residue is highly conserved and there is a small physicochemical difference between arginine and histidine. This variant is present in population databases (rs775667995, ExAC 0.02%). This variant has not been reported in the literature in individuals affected with POMGNT2-related conditions. Algorithms developed to predict the effect of missense changes on protein structure and function are either unavailable or do not agree on the potential impact of this missense change (SIFT: "Deleterious"; PolyPhen-2: "Probably Damaging"; Align-GVGD: "Class C0"). In summary, the available evidence is currently insufficient to determine the role of this variant in disease. Therefore, it has been classified as a Variant of Uncertain Significance.